The following is an entry in ClinVar:

ClinVar aggregate classification (germline): Uncertain significance (1 of 4 stars; one submission).

Conditions:
Developmental and epileptic encephalopathy, 9 (DEE9). Also called: JUBERG-HELLMAN SYNDROME; PCDH19-Related X-Linked Female-Limited Epilepsy with Mental Retardation; Early infantile epileptic encephalopathy 9; EPILEPSY, FEMALE-RESTRICTED, WITH MENTAL RETARDATION. Identifiers: Orphanet 101039, Orphanet 2076, MedGen C1848137, MONDO:0010246, OMIM 300088. Disease mechanism: loss of function.

Allele frequency attached by ClinVar (database versions not stated): gnomAD exomes 0.00001; 1000 Genomes Project 30x 0.00021; 1000 Genomes Project 0.00026.

Submission:

Labcorp Genetics (formerly Invitae), Labcorp
Classification: Uncertain significance for Developmental and epileptic encephalopathy, 9. Last evaluated: 2024-08-31. Review status: criteria provided, single submitter. Criteria: Invitae Variant Classification Sherloc (09022015). Collection method: clinical testing. Allele origin: germline.
Comment: This sequence change replaces arginine, which is basic and polar, with glutamine, which is neutral and polar, at codon 962 of the PCDH19 protein (p.Arg962Gln). The frequency data for this variant in the population databases is considered unreliable, as metrics indicate poor data quality at this position in the gnomAD database. This missense change has been observed in individual(s) with epilepsy (PMID: 30451291). In at least one individual the variant was observed to be de novo. ClinVar contains an entry for this variant (Variation ID: 2085965). Invitae Evidence Modeling of protein sequence and biophysical properties (such as structural, functional, and spatial information, amino acid conservation, physicochemical variation, residue mobility, and thermodynamic stability) indicates that this missense variant is not expected to disrupt PCDH19 protein function with a negative predictive value of 95%. In summary, the available evidence is currently insufficient to determine the role of this variant in disease. Therefore, it has been classified as a Variant of Uncertain Significance.

Literature cited by the submitters: PubMed 30451291.

NM_001184880.2(PCDH19):c.2885G>A (p.Arg962Gln)

Gene: PCDH19 (protocadherin 19; minus strand). Cytogenetic location: Xq22.1.
Variant type: single nucleotide variant.
Coding change: c.2885G>A on transcript NM_001184880.2 (MANE Select); coding-DNA position 2885, G replaced by A.
Protein change: p.Arg962Gln; replaces arginine 962 with glutamine.
Molecular consequence: missense variant.
Genome position (GRCh38, 1-based): chrX:100,296,839, C>T on the plus strand (G>A on the coding strand, the complement: PCDH19 is on the minus strand). VCF-style: chrX-100296839-C-T. GRCh37 (hg19) VCF-style: chrX-99551837-C-T.
Other names: c.2744G>A, p.Arg915Gln (NM_001105243.2); c.2741G>A, p.Arg914Gln (NM_020766.3); short protein forms R915Q, R914Q, R962Q.
Identifiers: ClinVar variation 2085965 (VCV002085965.4), dbSNP rs779540893, ClinGen allele CA333818029.
Genomic context (GRCh38, chrX:100,296,839, plus strand): 5'-TTGGAACGGATGGGCATGGGGTTCCGGGGCATCCAGCACCTGTCAGAGTGGCCAAGAATC[C>T]GGCATTCTTCCCGGCAATGAAATCCTTCATTCTGATCTGTTTGGAAAAAAGAAAATATCA-3'
Protein context (NP_001171809.1, residues 952-972): NEGFHCREEC[Arg962Gln]ILGHSDRCWM